The following is an entry in ClinVar:

NM_003184.4(TAF2):c.1152A>C (p.Lys384Asn)

Gene: TAF2 (TATA-box binding protein associated factor 2; minus strand). Cytogenetic location: 8q24.12.
Variant type: single nucleotide variant.
Coding change: c.1152A>C on transcript NM_003184.4 (MANE Select); coding-DNA position 1152, A replaced by C.
Protein change: p.Lys384Asn; replaces lysine 384 with asparagine.
Molecular consequence: missense variant.
Genome position (GRCh38, 1-based): chr8:119,795,571, T>G on the plus strand (A>C on the coding strand, the complement: TAF2 is on the minus strand). VCF-style: chr8-119795571-T-G. GRCh37 (hg19) VCF-style: chr8-120807811-T-G.
Other names: short protein forms K384N.
Identifiers: ClinVar variation 1806380 (VCV001806380.1), dbSNP rs2488422334, ClinGen allele CA371888681.
Genomic context (GRCh38, chr8:119,795,571, plus strand): 5'-AAGGGATCTAGCTGTTATTACCTCTTTAATCCAATGGCGGTACTCATTAACACCAAAAGT[T>G]TTTTTCATCCAAAGTCCATAGATATAGCCTGAAATTCCCTTCAGCACCCATTCATCAGAC-3'
Protein context (NP_003175.2, residues 374-394): SGYIYGLWMK[Lys384Asn]TFGVNEYRHW

ClinVar aggregate classification (germline): Uncertain significance (1 of 4 stars; one submission).

Conditions:
Microcephaly-thin corpus callosum-intellectual disability syndrome (NEDFCF). Also called: NEURODEVELOPMENTAL DISORDER WITH FEEDING DIFFICULTIES, THIN CORPUS CALLOSUM, AND FOOT DEFORMITY; Intellectual developmental disorder, autosomal recessive 40. Identifiers: Orphanet 397951, MedGen C3810080, MONDO:0014273, OMIM 615599.

Submission:

Victorian Clinical Genetics Services, Murdoch Childrens Research Institute
Classification: Uncertain significance for Microcephaly-thin corpus callosum-intellectual disability syndrome. Last evaluated: 2019-08-28. Review status: criteria provided, single submitter. Criteria: ACMG Guidelines, 2015. Collection method: clinical testing. Allele origin: germline. Inheritance: Autosomal recessive inheritance.
Comment: A heterozygous missense variant was identified, NM_003184.3(TAF2):c.1152A>C in exon 9 of 26 of the TAF2 gene. This substitution is predicted to create a moderate amino acid change from lysine to asparagine at position 384 of the protein, NP_003175.1(TAF2):p.(Lys384Asn). The lysine at this position has very high conservation (100 vertebrates, UCSC), and is located within the TATA binding protein (TBP) associated factor 2 domain. In silico software predicts this variant to be disease causing (Polyphen, SIFT, CADD, Mutation Taster). The variant is not present in the gnomAD population database and has not been previously reported in clinical cases. Based on information available at the time of curation, this variant has been classified as a VARIANT of UNCERTAIN SIGNIFICANCE (VUS).